The following is an entry in ClinVar:

NM_017547.4(FOXRED1):c.598A>G (p.Ile200Val)

Gene: FOXRED1 (FAD dependent oxidoreductase domain containing 1; plus strand). Cytogenetic location: 11q24.2.
Variant type: single nucleotide variant.
Coding change: c.598A>G on transcript NM_017547.4 (MANE Select); coding-DNA position 598, A replaced by G.
Protein change: p.Ile200Val; replaces isoleucine 200 with valine.
Molecular consequence: missense variant. On other transcripts: non-coding transcript variant (3), intron variant (3).
Genome position (GRCh38, 1-based): chr11:126,274,988, A>G. VCF-style: chr11-126274988-A-G. GRCh37 (hg19) VCF-style: chr11-126144883-A-G.
Other names: c.37A>G, p.Ile13Val (NM_001425171.1, NM_001425172.1); c.628A>G, p.Ile210Val (NM_001425160.1); c.598A>G, p.Ile200Val (NM_001425161.1, NM_001425163.1, NM_001425165.1 and 2 more transcripts); c.595A>G, p.Ile199Val (NM_001425164.1); c.88A>G, p.Ile30Val (NM_001425168.1, NM_001425169.1, NM_001425170.1); c.-2-339A>G (NM_001425174.1, NM_001425175.1, NM_001425173.1); short protein forms I13V, I199V, I200V, I210V, I30V.
Identifiers: ClinVar variation 4282375 (VCV004282375.1).

ClinVar aggregate classification (germline): Uncertain significance (1 of 4 stars; one submission).

Submission:

GeneDx
Classification: Uncertain significance. Last evaluated: 2025-04-16. Review status: criteria provided, single submitter. Criteria: GeneDx Variant Classification Process June 2021. Collection method: clinical testing. Allele origin: germline. Affected: yes.
Comment: Not observed at significant frequency in large population cohorts (gnomAD); In silico analysis indicates that this missense variant does not alter protein structure/function; In silico analysis is inconclusive as to whether the variant alters gene splicing. In the absence of RNA/functional studies, the actual effect of this sequence change is unknown.; Has not been previously published as pathogenic or benign to our knowledge